The following is an entry in ClinVar:

NM_018076.5(ODAD2):c.1186A>G (p.Lys396Glu)

Gene: ODAD2 (outer dynein arm docking complex subunit 2; minus strand). Cytogenetic location: 10p12.1.
Variant type: single nucleotide variant.
Coding change: c.1186A>G on transcript NM_018076.5 (MANE Select); coding-DNA position 1186, A replaced by G.
Protein change: p.Lys396Glu; replaces lysine 396 with glutamic acid.
Molecular consequence: missense variant. On other transcripts: intron variant (1).
Genome position (GRCh38, 1-based): chr10:27,968,975, T>C on the plus strand (A>G on the coding strand, the complement: ODAD2 is on the minus strand). VCF-style: chr10-27968975-T-C. GRCh37 (hg19) VCF-style: chr10-28257904-T-C.
Other names: c.1186A>G, p.Lys396Glu (NM_001290020.2); c.262A>G, p.Lys88Glu (NM_001312689.2); c.-187-7260A>G (NM_001290021.2); short protein forms K396E, K88E.
Identifiers: ClinVar variation 1681383 (VCV001681383.9), dbSNP rs1588631257, ClinGen allele CA376393746.

ClinVar aggregate classification (germline): Uncertain significance (1 of 4 stars; one submission).

Conditions:
Primary ciliary dyskinesia 23 (CILD23). Also called: CILIARY DYSKINESIA, PRIMARY, 23, WITH OR WITHOUT SITUS INVERSUS. Identifiers: Orphanet 244, MedGen C3809548, MONDO:0014193, OMIM 615451.

Allele frequency attached by ClinVar (database versions not stated): gnomAD exomes below 0.00001.
gnomAD v4.1: 2 of 657,994 alleles (0.0003%); highest among the groups gnomAD compares: African/African-American, 0.002%; no homozygotes.

Submission:

Labcorp Genetics (formerly Invitae), Labcorp
Classification: Uncertain significance for Primary ciliary dyskinesia 23. Last evaluated: 2022-08-16. Review status: criteria provided, single submitter. Criteria: Invitae Variant Classification Sherloc (09022015). Collection method: clinical testing. Allele origin: germline.
Comment: This sequence change replaces lysine, which is basic and polar, with glutamic acid, which is acidic and polar, at codon 396 of the ARMC4 protein (p.Lys396Glu). In summary, the available evidence is currently insufficient to determine the role of this variant in disease. Therefore, it has been classified as a Variant of Uncertain Significance. Algorithms developed to predict the effect of missense changes on protein structure and function (SIFT, PolyPhen-2, Align-GVGD) all suggest that this variant is likely to be tolerated. ClinVar contains an entry for this variant (Variation ID: 1681383). This variant has not been reported in the literature in individuals affected with ARMC4-related conditions. This variant is not present in population databases (gnomAD no frequency).